The following is an entry in ClinVar:

ClinVar aggregate classification (germline): Uncertain significance (1 of 4 stars; one submission).

gnomAD v4.1: 2 of 1,568,452 alleles (0.00013%); highest among the groups gnomAD compares: African/African-American, 0.0027%; no homozygotes.

Submission:

Labcorp Genetics (formerly Invitae), Labcorp
Classification: Uncertain significance. Last evaluated: 2024-05-26. Review status: criteria provided, single submitter. Criteria: Invitae Variant Classification Sherloc (09022015). Collection method: clinical testing. Allele origin: germline.
Comment: This sequence change affects an acceptor splice site in intron 13 of the GCKR gene. It is expected to disrupt RNA splicing. Variants that disrupt the donor or acceptor splice site typically lead to a loss of protein function (PMID: 16199547), however the current clinical and genetic evidence is not sufficient to establish whether loss-of-function variants in GCKR cause disease. This variant is present in population databases (rs373986830, gnomAD 0.01%). This variant has not been reported in the literature in individuals affected with GCKR-related conditions. Algorithms developed to predict the effect of sequence changes on RNA splicing suggest that this variant may disrupt the consensus splice site. In summary, the available evidence is currently insufficient to determine the role of this variant in disease. Therefore, it has been classified as a Variant of Uncertain Significance.

Literature cited by the submitters: PubMed 16199547.

NM_001486.4(GCKR):c.1144-1G>A

Gene: GCKR (glucokinase regulator; plus strand). Cytogenetic location: 2p23.3.
Variant type: single nucleotide variant.
Coding change: c.1144-1G>A on transcript NM_001486.4 (MANE Select); the canonical splice acceptor site of the intron before coding-DNA position 1144, G replaced by A.
Molecular consequence: splice acceptor variant.
Genome position (GRCh38, 1-based): chr2:27,507,680, G>A. VCF-style: chr2-27507680-G-A. GRCh37 (hg19) VCF-style: chr2-27730547-G-A.
Identifiers: ClinVar variation 3622581 (VCV003622581.2).